The following is an entry in ClinVar:

NM_001099287.2(NIPAL4):c.*782T>C

Gene: NIPAL4 (NIPA like domain containing 4; plus strand). Cytogenetic location: 5q33.3.
Variant type: single nucleotide variant.
Coding change: c.*782T>C on transcript NM_001099287.2 (MANE Select); 782 bases downstream of the stop codon, T replaced by C.
Molecular consequence: 3 prime UTR variant.
Genome position (GRCh38, 1-based): chr5:157,473,742, T>C. VCF-style: chr5-157473742-T-C. GRCh37 (hg19) VCF-style: chr5-156900750-T-C.
Other names: c.*782T>C (NM_001172292.2).
Identifiers: ClinVar variation 352535 (VCV000352535.5), dbSNP rs3734029, ClinGen allele CA10623991.

ClinVar aggregate classification (germline): Benign (1 of 4 stars; one submission).

Conditions:
Autosomal recessive congenital ichthyosis 6 (ARCI6). Identifiers: Orphanet 313, Orphanet 79394, MedGen C2677065, MONDO:0012847, OMIM 612281.

Allele frequency attached by ClinVar (database versions not stated): gnomAD 0.27002 and 0.27777; TOPMed 0.27147; gnomAD exomes 0.31818; 1000 Genomes Project 30x 0.35478; 1000 Genomes Project 0.36402.

Submission:

Illumina Laboratory Services, Illumina
Classification: Benign for Autosomal recessive congenital ichthyosis 6. Last evaluated: 2018-01-13. Review status: criteria provided, single submitter. Criteria: ICSL Variant Classification Criteria 13 December 2019. Collection method: clinical testing. Allele origin: germline.
Comment: This variant was observed in the ICSL laboratory as part of a predisposition screen in an ostensibly healthy population. It had not been previously curated by ICSL or reported in the Human Gene Mutation Database (HGMD: prior to June 1st, 2018), and was therefore a candidate for classification through an automated scoring system. Utilizing variant allele frequency, disease prevalence and penetrance estimates, and inheritance mode, an automated score was calculated to assess if this variant is too frequent to cause the disease. Based on the score and internal cut-off values, a variant classified as benign is not then subjected to further curation. The score for this variant resulted in a classification of benign for this disease.